The following is an entry in ClinVar:

ClinVar aggregate classification (germline): Pathogenic/Likely pathogenic. Review status: criteria provided, multiple submitters, no conflicts (2 of 4 stars). 2 submissions from 2 submitters: Pathogenic (1); Likely pathogenic (1). Last evaluated 2024-08-14.

Conditions:
Kabuki syndrome 2 (KABUK2). Also called: KDM6A-Related Kabuki Syndrome. Identifiers: Orphanet 2322, MedGen C3275495, MONDO:0010465, OMIM 300867.

Submissions (2):

GeneDx
Classification: Pathogenic. Last evaluated: 2024-08-14. Review status: criteria provided, single submitter. Criteria: GeneDx Variant Classification Process June 2021. Collection method: clinical testing. Allele origin: germline. Affected: yes.
Comment: Not observed at significant frequency in large population cohorts (gnomAD); In silico analysis supports a deleterious effect on splicing; This variant is associated with the following publications: (PMID: 24527667)

Labcorp Genetics (formerly Invitae), Labcorp
Classification: Likely pathogenic for Kabuki syndrome 2. Last evaluated: 2024-02-07. Review status: criteria provided, single submitter. Criteria: Invitae Variant Classification Sherloc (09022015). Collection method: clinical testing. Allele origin: germline.
Comment: This sequence change falls in intron 26 of the KDM6A gene. It does not directly change the encoded amino acid sequence of the KDM6A protein. It affects a nucleotide within the consensus splice site. This variant is not present in population databases (gnomAD no frequency). This variant has been observed in individual(s) with Kabuki syndrome (PMID: 24527667). In at least one individual the variant was observed to be de novo. Variants that disrupt the consensus splice site are a relatively common cause of aberrant splicing (PMID: 17576681, 9536098). Algorithms developed to predict the effect of sequence changes on RNA splicing suggest that this variant may disrupt the consensus splice site. In summary, the currently available evidence indicates that the variant is pathogenic, but additional data are needed to prove that conclusively. Therefore, this variant has been classified as Likely Pathogenic.

Literature cited by the submitters: PubMed 24527667 (cited by Labcorp Genetics (formerly Invitae), Labcorp); PubMed 17576681 (cited by Labcorp Genetics (formerly Invitae), Labcorp); PubMed 9536098 (cited by Labcorp Genetics (formerly Invitae), Labcorp).

NM_001291415.2(KDM6A):c.4034+3_4034+6del

Gene: KDM6A (lysine demethylase 6A; plus strand). Cytogenetic location: Xp11.3.
Variant type: Microsatellite.
Coding change: c.4034+3_4034+6del on transcript NM_001291415.2 (MANE Select); bases 3 to 6 of the intron after coding-DNA position 4034, 4 bases deleted (AAGT; older notation c.4034+3_4034+6delAAGT).
Molecular consequence: splice donor variant.
Genome position (GRCh38, 1-based): chrX:45,090,867-45,090,870, AAGT deleted; deleting any 4 consecutive bases within chrX:45,090,862-45,090,870 gives the same sequence; the c. name uses the placement nearest the transcript's 3' end. VCF-style (leftmost placement, unchanged base first): chrX-45090861-TTAAG-T. GRCh37 (hg19) VCF-style: chrX-44950106-TTAAG-T.
Other names: c.3878+3_3878+6del (NM_001419812.1, NM_021140.4); c.3776+3_3776+6del (NM_001419814.1, NM_001410742.1); c.3899+3_3899+6del (NM_001419811.1, NM_001291416.2); c.3743+3_3743+6del (NM_001291417.2); c.3641+3_3641+6del (NM_001419815.1, NM_001291418.2); c.2990+3_2990+6del (NM_001291421.2); c.4034+3_4034+6del (NM_001419809.1); c.3932+3_3932+6del (NM_001419810.1, NM_001419813.1).
Identifiers: ClinVar variation 3724226 (VCV003724226.2).